The following is an entry in ClinVar:

NM_002485.5(NBN):c.83G>A (p.Arg28Lys)

Gene: NBN (nibrin; minus strand). Cytogenetic location: 8q21.3.
Variant type: single nucleotide variant.
Coding change: c.83G>A on transcript NM_002485.5 (MANE Select); coding-DNA position 83, G replaced by A.
Protein change: p.Arg28Lys; replaces arginine 28 with lysine.
Molecular consequence: missense variant. On other transcripts: 5 prime UTR variant (1).
Genome position (GRCh38, 1-based): chr8:89,982,810, C>T on the plus strand (G>A on the coding strand, the complement: NBN is on the minus strand). VCF-style: chr8-89982810-C-T. GRCh37 (hg19) VCF-style: chr8-90995038-C-T.
Other names: c.-214G>A (NM_001024688.3); short protein forms R28K.
Identifiers: ClinVar variation 230463 (VCV000230463.22), dbSNP rs876658581, ClinGen allele CA10578816.

ClinVar aggregate classification (germline): Uncertain significance. Review status: criteria provided, multiple submitters, no conflicts (2 of 4 stars). 6 submissions from 6 submitters: Uncertain significance (5). 1 of the submissions does not count toward it. Last evaluated 2025-02-05.

Conditions:
Hereditary cancer-predisposing syndrome. Also called: Hereditary Cancer Syndrome; Neoplastic Syndromes, Hereditary; Tumor predisposition; Hereditary neoplastic syndrome. Identifiers: Orphanet 140162, MedGen C0027672, MeSH D009386, MONDO:0015356.
Aplastic anemia. Identifiers: Orphanet 182040, Orphanet 88, MedGen C0002874, MONDO:0015909, OMIM 609135, HP:0001915.
Microcephaly, normal intelligence and immunodeficiency (NBS). Also called: BERLIN BREAKAGE SYNDROME; Ataxia telangiectasia variant V1; IMMUNODEFICIENCY, MICROCEPHALY, AND CHROMOSOMAL INSTABILITY; SEEMANOVA SYNDROME II; Nijmegen breakage syndrome; Microcephaly with normal intelligence immunodeficiency and lymphoreticular malignancies. Identifiers: Orphanet 647, MedGen C0398791, MONDO:0009623, OMIM 251260.

Allele frequency attached by ClinVar (database versions not stated): gnomAD exomes below 0.00001; TOPMed below 0.00001; gnomAD 0.00001.

Submissions (6):

St. Jude Molecular Pathology, St. Jude Children's Research Hospital
Classification: Uncertain significance for Microcephaly, normal intelligence and immunodeficiency. Last evaluated: 2025-02-05. Review status: criteria provided, single submitter. Criteria: St. Jude Assertion Criteria 2020. Collection method: clinical testing. Allele origin: germline.
Comment: The NBN c.83G>A (p.Arg28Lys) missense change is absent in gnomAD v2.1.1. The in silico tool REVEL predicts a deleterious effect on protein function, but this prediction has not been confirmed by functional studies. This variant has not been reported in individuals with Nijmegan breakage syndrome. In summary, the evidence currently available is insufficient to determine the clinical significance of this variant. It has therefore been classified as of uncertain significance.

Ambry Genetics
Classification: Uncertain significance for Hereditary cancer-predisposing syndrome. Last evaluated: 2024-09-24. Review status: criteria provided, single submitter. Criteria: Ambry Variant Classification Scheme 2023. Collection method: clinical testing. Allele origin: germline.
Comment: The p.R28K variant (also known as c.83G>A), located in coding exon 2 of the NBN gene, results from a G to A substitution at nucleotide position 83. The arginine at codon 28 is replaced by lysine, an amino acid with highly similar properties. This amino acid position is highly conserved in available vertebrate species. In addition, this alteration is predicted to be deleterious by in silico analysis. Since supporting evidence is limited at this time, the clinical significance of this alteration remains unclear.

Labcorp Genetics (formerly Invitae), Labcorp
Classification: Uncertain significance for Microcephaly, normal intelligence and immunodeficiency. Last evaluated: 2024-03-06. Review status: criteria provided, single submitter. Criteria: Invitae Variant Classification Sherloc (09022015). Collection method: clinical testing. Allele origin: germline.
Comment: This sequence change replaces arginine, which is basic and polar, with lysine, which is basic and polar, at codon 28 of the NBN protein (p.Arg28Lys). This variant is not present in population databases (gnomAD no frequency). This variant has not been reported in the literature in individuals affected with NBN-related conditions. ClinVar contains an entry for this variant (Variation ID: 230463). An algorithm developed to predict the effect of missense changes on protein structure and function (PolyPhen-2) suggests that this variant is likely to be disruptive. In summary, the available evidence is currently insufficient to determine the role of this variant in disease. Therefore, it has been classified as a Variant of Uncertain Significance.

Baylor Genetics
Classification: Uncertain significance for Aplastic anemia. Last evaluated: 2023-12-15. Review status: criteria provided, single submitter. Criteria: ACMG Guidelines, 2015. Collection method: clinical testing. Allele origin: unknown.

Genome-Nilou Lab
Classification: Uncertain significance for Microcephaly, normal intelligence and immunodeficiency. Last evaluated: 2021-11-07. Review status: criteria provided, single submitter. Criteria: ACMG Guidelines, 2015. Collection method: clinical testing. Allele origin: germline. Affected: no.

Natera, Inc.
Classification: Uncertain significance for Nijmegen breakage syndrome. Last evaluated: 2020-09-16. Review status: no assertion criteria provided. Collection method: clinical testing. Allele origin: germline. Not counted in ClinVar's aggregate classification.